The following is an entry in ClinVar:

ClinVar aggregate classification (germline): Likely benign. Review status: criteria provided, multiple submitters, no conflicts (2 of 4 stars). 10 submissions from 10 submitters: Likely benign (10). Last evaluated 2026-08-01.

Conditions:
Malignant hyperthermia, susceptibility to, 1 (MHS1). Also called: Anesthesia related hyperthermia; Malignant hyperpyrexia; Fulminating hyperpyrexia; Pharmacogenic myopathy; Malignant hyperthermia suceptibility 1; RYR1-Related Malignant Hyperthermia Susceptibility. Identifiers: Orphanet 423, MedGen C2930980, MONDO:0007783, OMIM 145600.
RYR1-related disorder. Also called: RYR1-related condition; RYR1-related disorders. Identifiers: MedGen CN239331.

Allele frequency attached by ClinVar (database versions not stated): gnomAD 0.00040 and 0.00036; TOPMed 0.00042; gnomAD exomes 0.00004 and 0.00008; ExAC 0.00011; ESP Exome Variant Server 0.00023.
gnomAD v4.1: 120 of 1,614,022 alleles (0.0074%); highest among the groups gnomAD compares: African/African-American, 0.12%; no homozygotes.

Submissions (10):

CeGaT Center for Human Genetics Tuebingen
Classification: Likely benign. Last evaluated: 2026-08-01. Review status: criteria provided, single submitter. Criteria: CeGaT Center For Human Genetics Tuebingen Variant Classification Criteria Version 2. Collection method: clinical testing. Allele origin: germline. Affected: yes. Observed: 3 variant alleles.
Comment: RYR1: BP4, BP7

Labcorp Genetics (formerly Invitae), Labcorp
Classification: Likely benign for RYR1-related disorder. Last evaluated: 2025-12-23. Review status: criteria provided, single submitter. Criteria: Invitae Variant Classification Sherloc (09022015). Collection method: clinical testing. Allele origin: germline.

Mayo Clinic Laboratories, Mayo Clinic
Classification: Likely benign. Last evaluated: 2025-09-16. Review status: criteria provided, single submitter. Criteria: ACMG Guidelines, 2015. Collection method: clinical testing. Allele origin: germline. Observed: 2 variant alleles.
Comment: BP4, BP7

Blueprint Genetics
Classification: Likely benign. Last evaluated: 2024-09-16. Review status: criteria provided, single submitter. Criteria: ACMG Guidelines, 2015. Collection method: clinical testing. Allele origin: germline.

All of Us Research Program, National Institutes of Health
Classification: Likely benign for Malignant hyperthermia, susceptibility to, 1. Last evaluated: 2024-02-05. Review status: criteria provided, single submitter. Criteria: ACMG Guidelines, 2015. Collection method: clinical testing. Allele origin: germline. Inheritance: Autosomal dominant inheritance. Observed: 24 variant alleles, 24 heterozygotes.
Comment: This study involves interpretation of variants in research participants for the purpose of population health screening. Participant phenotype was not available at the time of variant classification. Additional details can be found in publication PMID: 35346344, PMCID: PMC8962531

Revvity Omics, Revvity
Classification: Likely benign. Last evaluated: 2023-08-10. Review status: criteria provided, single submitter. Criteria: ACMG Guidelines, 2015. Collection method: clinical testing. Allele origin: germline.

Color Diagnostics, LLC DBA Color Health
Classification: Likely benign for Malignant hyperthermia, susceptibility to, 1. Last evaluated: 2022-04-29. Review status: criteria provided, single submitter. Criteria: ACMG Guidelines, 2015. Collection method: clinical testing. Allele origin: germline.

GeneDx
Classification: Likely benign. Last evaluated: 2019-12-02. Review status: criteria provided, single submitter. Criteria: GeneDx Variant Classification Process June 2021. Collection method: clinical testing. Allele origin: germline. Affected: yes.

Athena Diagnostics
Classification: Likely benign. Last evaluated: 2019-11-04. Review status: criteria provided, single submitter. Criteria: Athena Diagnostics Criteria. Collection method: clinical testing. Allele origin: unknown.

PreventionGenetics, part of Exact Sciences
Classification: Likely benign. Last evaluated: 2017-03-24. Review status: criteria provided, single submitter. Criteria: ACMG Guidelines, 2015. Collection method: clinical testing. Allele origin: germline.

NM_000540.3(RYR1):c.10644G>A (p.Glu3548=)

Gene: RYR1 (ryanodine receptor 1; plus strand). Cytogenetic location: 19q13.2.
Variant type: single nucleotide variant.
Coding change: c.10644G>A on transcript NM_000540.3 (MANE Select); coding-DNA position 10644, G replaced by A.
Protein change: p.Glu3548=; no amino-acid change (glutamic acid 3548 retained).
Molecular consequence: synonymous variant.
Genome position (GRCh38, 1-based): chr19:38,527,010, G>A. VCF-style: chr19-38527010-G-A. GRCh37 (hg19) VCF-style: chr19-39017650-G-A.
Other names: p.Glu3548=; c.10629G>A, p.Glu3543= (NM_001042723.2).
Identifiers: ClinVar variation 590370 (VCV000590370.27), dbSNP rs149417544, ClinGen allele CA054277.